The following is an entry in ClinVar:

ClinVar aggregate classification (germline): Uncertain significance. Review status: criteria provided, single submitter (1 of 4 stars). 2 submissions from 2 submitters: Uncertain significance (1). 1 of the submissions does not count toward it. Last evaluated 2022-06-03.

Conditions:
SAMD9L-related disorder. Also called: SAMD9L-related disorders; SAMD9L-related condition.

Submissions (2):

GeneDx
Classification: Uncertain significance. Last evaluated: 2022-06-03. Review status: criteria provided, single submitter. Criteria: GeneDx Variant Classification Process June 2021. Collection method: clinical testing. Allele origin: germline. Affected: yes.
Comment: Frameshift variant predicted to result in protein truncation or nonsense mediated decay in a gene or region of a gene for which loss of function is not a well-established mechanism of disease; Not observed at significant frequency in large population cohorts (gnomAD); Has not been previously published as pathogenic or benign to our knowledge

PreventionGenetics, part of Exact Sciences
Classification: Uncertain significance for SAMD9L-related condition. Last evaluated: 2024-04-11. Review status: no assertion criteria provided. Collection method: clinical testing. Allele origin: germline. Not counted in ClinVar's aggregate classification.
Comment: The SAMD9L c.303delinsAA variant is predicted to result in a frameshift and premature protein termination (p.Asn103Lysfs*16). To our knowledge, this variant has not been reported in the literature or in a large population database, indicating this variant is rare. Premature termination variants have not been conclusively shown to cause SAMD9L-related disease. At this time, the clinical significance of this variant is uncertain due to the absence of conclusive functional and genetic evidence.

NM_152703.5(SAMD9L):c.303delinsAA (p.Asn103fs)

Gene: SAMD9L (sterile alpha motif domain containing 9 like; minus strand). Cytogenetic location: 7q21.2.
Variant type: Indel.
Coding change: c.303delinsAA on transcript NM_152703.5 (MANE Select); coding-DNA position 303, G replaced by AA.
Protein change: p.Asn103fs; shifts the reading frame from asparagine 103.
Molecular consequence: frameshift variant.
Genome position (GRCh38, 1-based): chr7:93,135,669, C replaced by TT on the plus strand (G replaced by AA on the coding strand, the reverse complement: SAMD9L is on the minus strand). VCF-style: chr7-93135669-C-TT. GRCh37 (hg19) VCF-style: chr7-92764982-C-TT.
Other names: c.303delinsAA, p.Asn103fs (NM_001303496.3, NM_001303497.3, NM_001303498.3 and 5 more transcripts); short protein forms N103fs.
Identifiers: ClinVar variation 1802073 (VCV001802073.3), dbSNP rs2535439609, ClinGen allele CA2580077858.